The following is an entry in ClinVar:

ClinVar aggregate classification (germline): Uncertain significance (1 of 4 stars; one submission).

Submission:

CeGaT Center for Human Genetics Tuebingen
Classification: Uncertain significance. Last evaluated: 2025-04-01. Review status: criteria provided, single submitter. Criteria: CeGaT Center For Human Genetics Tuebingen Variant Classification Criteria Version 2. Collection method: clinical testing. Allele origin: germline. Affected: yes. Observed: 1 variant allele.
Comment: BPTF: PM2, BP4

NM_182641.4(BPTF):c.6920C>T (p.Ser2307Phe)

Gene: BPTF (bromodomain PHD finger transcription factor; plus strand). Cytogenetic location: 17q24.2.
Variant type: single nucleotide variant.
Coding change: c.6920C>T on transcript NM_182641.4 (MANE Select); coding-DNA position 6920, C replaced by T.
Protein change: p.Ser2307Phe; replaces serine 2307 with phenylalanine.
Molecular consequence: missense variant.
Genome position (GRCh38, 1-based): chr17:67,945,628, C>T. VCF-style: chr17-67945628-C-T. GRCh37 (hg19) VCF-style: chr17-65941744-C-T.
Other names: c.7298C>T, p.Ser2433Phe (NM_004459.7); short protein forms S2307F, S2433F.
Identifiers: ClinVar variation 3898551 (VCV003898551.7).
Genomic context (GRCh38, chr17:67,945,628, plus strand): 5'-CCCCAGCTCAGCCTGAAGTTCAGACTCAGCCTGAAGTTCAGACCCAAACAACTGTTTCAT[C>T]CCATGTCCCTTCTGAAGCACAACCCACCCACGCACAGTCATCCAAGCCCCAAGTTGCAGC-3'
Protein context (NP_872579.2, residues 2297-2317): PEVQTQTTVS[Ser2307Phe]HVPSEAQPTH